The following is an entry in ClinVar:

ClinVar aggregate classification (germline): Uncertain significance (1 of 4 stars; one submission).

Conditions:
Cohen syndrome (COH1). Also called: PEPPER SYNDROME; Cutis verticis gyrata, retinitis pigmentosa, and sensorineural deafness. Identifiers: Orphanet 193, MedGen C0265223, MONDO:0008999, OMIM 216550.

Allele frequency attached by ClinVar (database versions not stated): gnomAD exomes below 0.00001; TOPMed below 0.00001.
gnomAD v4.1: 1 of 1,613,800 alleles (0.000062%); highest among the groups gnomAD compares: African/African-American, 0.0013%; no homozygotes.

Submission:

Labcorp Genetics (formerly Invitae), Labcorp
Classification: Uncertain significance for Cohen syndrome. Last evaluated: 2021-11-28. Review status: criteria provided, single submitter. Criteria: Invitae Variant Classification Sherloc (09022015). Collection method: clinical testing. Allele origin: germline.
Comment: This sequence change replaces glutamine, which is neutral and polar, with lysine, which is basic and polar, at codon 2944 of the VPS13B protein (p.Gln2944Lys). This variant is present in population databases (no rsID available, gnomAD 0.007%). This variant has not been reported in the literature in individuals affected with VPS13B-related conditions. Algorithms developed to predict the effect of missense changes on protein structure and function are either unavailable or do not agree on the potential impact of this missense change (SIFT: "Not Available"; PolyPhen-2: "Benign"; Align-GVGD: "Not Available"). In summary, the available evidence is currently insufficient to determine the role of this variant in disease. Therefore, it has been classified as a Variant of Uncertain Significance.

NM_152564.5(VPS13B):c.8755C>A (p.Gln2919Lys)

Gene: VPS13B (vacuolar protein sorting 13 homolog B; plus strand). Cytogenetic location: 8q22.2.
Variant type: single nucleotide variant.
Coding change: c.8755C>A on transcript NM_152564.5 (MANE Select); coding-DNA position 8755, C replaced by A.
Protein change: p.Gln2919Lys; replaces glutamine 2919 with lysine.
Molecular consequence: missense variant.
Genome position (GRCh38, 1-based): chr8:99,819,545, C>A. VCF-style: chr8-99819545-C-A. GRCh37 (hg19) VCF-style: chr8-100831773-C-A.
Other names: c.8830C>A, p.Gln2944Lys (NM_017890.5); short protein forms Q2944K, Q2919K.
Identifiers: ClinVar variation 1395606 (VCV001395606.3), dbSNP rs1342501390, ClinGen allele CA371776571.
Genomic context (GRCh38, chr8:99,819,545, plus strand): 5'-CACCCTGGAGGCACAGTTAATCAGATCCTTGACGAATTCTATGGGCCAGAAAAGTCGCTT[C>A]AACCCATATGGCCCTATAATAAGAAGGATTCTGACAGGTAATATTCTTCAGTGATCTTTT-3'
Protein context (NP_689777.3, residues 2909-2929): DEFYGPEKSL[Gln2919Lys]PIWPYNKKDS